The following is an entry in ClinVar:

NM_001130987.2(DYSF):c.2865-2A>C

Gene: DYSF (dysferlin; plus strand). Cytogenetic location: 2p13.2.
Variant type: single nucleotide variant.
Coding change: c.2865-2A>C on transcript NM_001130987.2 (MANE Select); the canonical splice acceptor site of the intron before coding-DNA position 2865, A replaced by C.
Molecular consequence: splice acceptor variant.
Genome position (GRCh38, 1-based): chr2:71,569,818, A>C. VCF-style: chr2-71569818-A-C. GRCh37 (hg19) VCF-style: chr2-71796948-A-C.
Other names: c.2769-2A>C (NM_001130977.2, NM_001130976.2); c.2907-2A>C (NM_001130982.2); c.2865-2A>C (NM_001130985.2); c.2814-2A>C (NM_001130983.2, NM_001130455.2); c.2772-2A>C (NM_001130984.2, NM_001130986.2); c.2904-2A>C (NM_001130979.2); c.2862-2A>C (NM_001130981.2, NM_001130980.2); c.2811-2A>C (NM_001130978.2, NM_003494.4).
Identifiers: ClinVar variation 288644 (VCV000288644.17), dbSNP rs886043964, ClinGen allele CA10606168.
Genomic context (GRCh38, chr2:71,569,818, plus strand): 5'-GGTAGATGGATGGGGGCCTCTCCAGCAGAGCAGCAGAGACTCTGACCAGCCCTCCTCCAC[A>C]GTCTGCTCCATGACATGGACGCCGGTCACCTGAGCTTCGTGGAAGAGGTGTTTGAGAACC-3'

ClinVar aggregate classification (germline): Pathogenic. Review status: reviewed by expert panel (3 of 4 stars). 6 submissions from 6 submitters: Pathogenic (1). 5 of the submissions do not count toward it. Last evaluated 2025-01-08.

Conditions:
Autosomal recessive limb-girdle muscular dystrophy type 2B (LGMDR2). Also called: Limb-Girdle Muscular Dystrophy Type 2B (LGMD2B); Limb-girdle muscular dystrophy, type 2B; MUSCULAR DYSTROPHY, LIMB-GIRDLE, TYPE 3; MUSCULAR DYSTROPHY, LIMB-GIRDLE, AUTOSOMAL RECESSIVE 2. Identifiers: Orphanet 268, MedGen C1850889, MONDO:0009676, OMIM 253601.
Neuromuscular disease caused by qualitative or quantitative defects of dysferlin. Also called: Dysferlinopathy; Qualitative or quantitative defects of dysferlin. Identifiers: Orphanet 207073, MedGen C2931687, MONDO:0016145.
Autosomal recessive limb-girdle muscular dystrophy. Identifiers: Orphanet 102015, MedGen C2931907, MONDO:0015152.

Submissions (6):

ClinGen Limb Girdle Muscular Dystrophy Variant Curation Expert Panel, ClinGen
Classification: Pathogenic for Autosomal recessive limb-girdle muscular dystrophy. Last evaluated: 2025-01-08. Review status: reviewed by expert panel. Criteria: ClinGen LGMD VCEP ACMG Specifications DYSF V1.0.0. Collection method: curation. Allele origin: germline. Inheritance: Autosomal recessive inheritance.
Comment: The NM_003494.4: c.2811-2A>C variant in DYSF, which is also known as NM_001130987.2: c.2865-2A>C, occurs within the canonical splice acceptor site of intron 26. It is predicted to cause skipping of biologically relevant exon 27/55, resulting in a frameshift and introduction of a premature truncation codon that is expected to lead to nonsense mediated decay in a gene in which loss of function is an established disease mechanism. RNAseq analysis has shown that this variant results in near-complete elimination of normal splicing, resulting in the production of three alternative transcripts with a frameshift and premature truncation (PMID: 36983702) (PVS1_RNA). This variant has been detected in at least 4 unrelated individuals with dysferlinopathy (PMID: 36983702, 26671124, 33927379, 30564623). Of those individuals, two were homozygous (1.0 pt), one was compound heterozygous for the variant and a confirmed pathogenic or likely pathogenic variant (c.1852G>A p.Gly618Arg, 1.0 pt), and one carried a variant classified as at least likely pathogenic in unknown phase (c.5529G>A p.Trp1843Ter, 0.25 pts) (PM3_Strong). At least one patient with this variant displayed a progressive limb girdle pattern of muscle weakness and absent dysferlin expression in skeletal muscle and blood monocytes, which is highly specific for DYSF-related LGMD (PP4_Strong; PMID: 36983702). The variant has also been reported to segregate with LGMD in two affected family members from one family (PMID: 26671124; PP1, capped with PP4_Strong). This variant is absent from gnomAD v2.1.1 and v3.1.2 (PM2_Supporting). In summary, this variant meets the criteria to be classified as Pathogenic for autosomal recessive limb girdle muscular dystrophy based on the ACMG/AMP criteria applied, as specified by the ClinGen LGMD VCEP (LGMD VCEP specifications version 1.0.0; 01/08/2025): PVS1_RNA, PP4_Strong, PM3_Strong, PP1, PM2_Supporting.

Myriad Genetics, Inc.
Classification: Pathogenic for Autosomal recessive limb-girdle muscular dystrophy. Last evaluated: 2026-08-19. Review status: criteria provided, single submitter. Criteria: Myriad Autosomal Dominant, Autosomal Recessive and X-Linked Classification Criteria (2023). Collection method: clinical testing. Allele origin: unknown. Not counted in ClinVar's aggregate classification.
Comment: NM_003494.3(DYSF):c.2811-2A>C is a variant in a canonical splice site classified as pathogenic in the context of dysferlinopathy. c.2811-2A>C has been observed in cases with relevant disease (PMID: 26671124, 33927379, 36983702). Relevant functional assessments of this variant are available in the literature (PMID: 36983702). c.2811-2A>C has not been observed in referenced population frequency databases. In summary, NM_003494.3(DYSF):c.2811-2A>C is a variant in a canonical splice site in a gene where loss of function is a known mechanism of disease, is predicted to disrupt protein function, and has been observed more frequently in cases with the relevant disease than in healthy populations. Please note: this variant was assessed in the context of healthy population screening.

Revvity Omics, Revvity
Classification: Pathogenic. Last evaluated: 2024-02-20. Review status: criteria provided, single submitter. Criteria: ACMG Guidelines, 2015. Collection method: clinical testing. Allele origin: germline. Not counted in ClinVar's aggregate classification.

Labcorp Genetics (formerly Invitae), Labcorp
Classification: Pathogenic for Neuromuscular disease caused by qualitative or quantitative defects of dysferlin. Last evaluated: 2023-11-13. Review status: criteria provided, single submitter. Criteria: Invitae Variant Classification Sherloc (09022015). Collection method: clinical testing. Allele origin: germline. Not counted in ClinVar's aggregate classification.
Comment: This sequence change affects an acceptor splice site in intron 26 of the DYSF gene. It is expected to disrupt RNA splicing. Variants that disrupt the donor or acceptor splice site typically lead to a loss of protein function (PMID: 16199547), and loss-of-function variants in DYSF are known to be pathogenic (PMID: 17698709, 20301480). This variant is not present in population databases (gnomAD no frequency). Disruption of this splice site has been observed in individuals with DYSF-related conditions (PMID: 26671124, 32400077). ClinVar contains an entry for this variant (Variation ID: 288644). Algorithms developed to predict the effect of sequence changes on RNA splicing suggest that this variant may disrupt the consensus splice site. For these reasons, this variant has been classified as Pathogenic.

Eurofins Ntd Llc (ga)
Classification: Pathogenic. Last evaluated: 2016-06-09. Review status: criteria provided, single submitter. Criteria: EGL Classification Definitions 2015. Collection method: clinical testing. Allele origin: germline. Observed: 1 variant allele, 1 heterozygote. Not counted in ClinVar's aggregate classification.

Counsyl
Classification: Likely pathogenic for Autosomal recessive limb-girdle muscular dystrophy type 2B. Last evaluated: 2017-05-26. Review status: no assertion criteria provided. Collection method: clinical testing. Allele origin: unknown. Not counted in ClinVar's aggregate classification.

Literature cited by the submitters: PubMed 26671124 (cited by 4 submitters); PubMed 33927379 (cited by Myriad Genetics, Inc.); PubMed 36983702 (cited by Myriad Genetics, Inc.); PubMed 16199547 (cited by Labcorp Genetics (formerly Invitae), Labcorp); PubMed 17698709 (cited by Labcorp Genetics (formerly Invitae), Labcorp); PubMed 20301480 (cited by Labcorp Genetics (formerly Invitae), Labcorp); PubMed 32400077 (cited by Labcorp Genetics (formerly Invitae), Labcorp).